The following is an entry in ClinVar:

NM_000297.4(PKD2):c.776A>C (p.Asp259Ala)

Gene: PKD2 (polycystin 2, transient receptor potential cation channel; plus strand). Cytogenetic location: 4q22.1.
Variant type: single nucleotide variant.
Coding change: c.776A>C on transcript NM_000297.4 (MANE Select); coding-DNA position 776, A replaced by C.
Protein change: p.Asp259Ala; replaces aspartic acid 259 with alanine.
Molecular consequence: missense variant. On other transcripts: non-coding transcript variant (1).
Genome position (GRCh38, 1-based): chr4:88,036,286, A>C. VCF-style: chr4-88036286-A-C. GRCh37 (hg19) VCF-style: chr4-88957438-A-C.
Other names: short protein forms D259A.
Identifiers: ClinVar variation 1355746 (VCV001355746.8), dbSNP rs768028361, ClinGen allele CA3003797.
Genomic context (GRCh38, chr4:88,036,286, plus strand): 5'-ACGGCATGATGAGCTCCAATGTGTACTACTACACCCGGATGATGTCACAGCTCTTCCTAG[A>C]CACCCCCGTGTCCAAAACGGAGAAAACTAACTTTAAAACTCTGTCTTCCATGGAAGACTT-3'
Protein context (NP_000288.1, residues 249-269): YTRMMSQLFL[Asp259Ala]TPVSKTEKTN

ClinVar aggregate classification (germline): Uncertain significance. Review status: criteria provided, multiple submitters, no conflicts (2 of 4 stars). 2 submissions from 2 submitters: Uncertain significance (2). Last evaluated 2024-04-16.

Conditions:
Polycystic kidney disease 2 (PKD2). Also called: POLYCYSTIC KIDNEY DISEASE 2 WITH OR WITHOUT POLYCYSTIC LIVER DISEASE; Polycystic Kidney Disease 2, Autosomal Dominant; POLYCYSTIC KIDNEY DISEASE, ADULT, TYPE II. Identifiers: MedGen C2751306, MONDO:0013131, OMIM 613095.
Autosomal dominant polycystic kidney disease. Identifiers: Orphanet 730, MedGen C0085413, MONDO:0004691.

Allele frequency attached by ClinVar (database versions not stated): gnomAD exomes below 0.00001; TOPMed below 0.00001.
gnomAD v4.1: 2 of 1,614,012 alleles (0.00012%); highest among the groups gnomAD compares: Non-Finnish European, 0.00017%; no homozygotes.

Submissions (2):

Fulgent Genetics
Classification: Uncertain significance for Polycystic kidney disease 2. Last evaluated: 2024-04-16. Review status: criteria provided, single submitter. Criteria: ACMG Guidelines, 2015. Collection method: clinical testing. Allele origin: germline.

Labcorp Genetics (formerly Invitae), Labcorp
Classification: Uncertain significance for Autosomal dominant polycystic kidney disease. Last evaluated: 2022-08-09. Review status: criteria provided, single submitter. Criteria: Invitae Variant Classification Sherloc (09022015). Collection method: clinical testing. Allele origin: germline.
Comment: In summary, the available evidence is currently insufficient to determine the role of this variant in disease. Therefore, it has been classified as a Variant of Uncertain Significance. Algorithms developed to predict the effect of missense changes on protein structure and function (SIFT, PolyPhen-2, Align-GVGD) all suggest that this variant is likely to be tolerated. ClinVar contains an entry for this variant (Variation ID: 1355746). This variant has not been reported in the literature in individuals affected with PKD2-related conditions. This variant is present in population databases (rs768028361, gnomAD 0.003%). This sequence change replaces aspartic acid, which is acidic and polar, with alanine, which is neutral and non-polar, at codon 259 of the PKD2 protein (p.Asp259Ala).